The following is an entry in ClinVar:

NM_001376.5(DYNC1H1):c.1826T>G (p.Ile609Ser)

Gene: DYNC1H1 (dynein cytoplasmic 1 heavy chain 1; plus strand). Cytogenetic location: 14q32.31.
Variant type: single nucleotide variant.
Coding change: c.1826T>G on transcript NM_001376.5 (MANE Select); coding-DNA position 1826, T replaced by G.
Protein change: p.Ile609Ser; replaces isoleucine 609 with serine.
Molecular consequence: missense variant.
Genome position (GRCh38, 1-based): chr14:101,986,051, T>G. VCF-style: chr14-101986051-T-G. GRCh37 (hg19) VCF-style: chr14-102452388-T-G.
Other names: short protein forms I609S.
Identifiers: ClinVar variation 1450637 (VCV001450637.8), dbSNP rs2047933165, ClinGen allele CA391019440.
Genomic context (GRCh38, chr14:101,986,051, plus strand): 5'-ATGCACTGTTTGTCAGGCCTCACATCCGTGGGGCCATTCGCGAATACCAGACCCAGCTGA[T>G]CCAGCGCGTGAAAGATGACATTGAGTCTCTTCACGACAAGTTCAAGGTCCAGTACCCACA-3'
Protein context (NP_001367.2, residues 599-619): GAIREYQTQL[Ile609Ser]QRVKDDIESL

ClinVar aggregate classification (germline): Uncertain significance (1 of 4 stars; one submission).

Conditions:
Charcot-Marie-Tooth disease axonal type 2O. Also called: CHARCOT-MARIE-TOOTH NEUROPATHY, AXONAL, TYPE 2O; CHARCOT-MARIE-TOOTH DISEASE, AXONAL, AUTOSOMAL DOMINANT, TYPE 2O; Charcot-Marie-Tooth disease, axonal, type 20; Charcot-Marie-Tooth Neuropathy Type 2O. Identifiers: Orphanet 284232, MedGen C3280220, MONDO:0013644, OMIM 614228.

Submission:

Labcorp Genetics (formerly Invitae), Labcorp
Classification: Uncertain significance for Charcot-Marie-Tooth disease axonal type 2O. Last evaluated: 2021-04-23. Review status: criteria provided, single submitter. Criteria: Invitae Variant Classification Sherloc (09022015). Collection method: clinical testing. Allele origin: germline.
Comment: In summary, the available evidence is currently insufficient to determine the role of this variant in disease. Therefore, it has been classified as a Variant of Uncertain Significance. Advanced modeling of protein sequence and biophysical properties (such as structural, functional, and spatial information, amino acid conservation, physicochemical variation, residue mobility, and thermodynamic stability) performed at Invitae indicates that this missense variant is expected to disrupt DYNC1H1 protein function. This variant has not been reported in the literature in individuals with DYNC1H1-related conditions. This variant is not present in population databases (ExAC no frequency). This sequence change replaces isoleucine with serine at codon 609 of the DYNC1H1 protein (p.Ile609Ser). The isoleucine residue is highly conserved and there is a large physicochemical difference between isoleucine and serine.